The following is an entry in ClinVar:

NM_005762.3(TRIM28):c.2052G>T (p.Leu684=)

Gene: TRIM28 (tripartite motif containing 28; plus strand). Cytogenetic location: 19q13.43.
Variant type: single nucleotide variant.
Coding change: c.2052G>T on transcript NM_005762.3 (MANE Select); coding-DNA position 2052, G replaced by T.
Protein change: p.Leu684=; no amino-acid change (leucine 684 retained).
Molecular consequence: synonymous variant.
Genome position (GRCh38, 1-based): chr19:58,549,806, G>T. VCF-style: chr19-58549806-G-T. GRCh37 (hg19) VCF-style: chr19-59061173-G-T.
Identifiers: ClinVar variation 4085797 (VCV004085797.8).

ClinVar aggregate classification (germline): Likely benign (1 of 4 stars; one submission).

Submission:

CeGaT Center for Human Genetics Tuebingen
Classification: Likely benign. Last evaluated: 2025-08-01. Review status: criteria provided, single submitter. Criteria: CeGaT Center For Human Genetics Tuebingen Variant Classification Criteria Version 2. Collection method: clinical testing. Allele origin: germline. Affected: yes. Observed: 1 variant allele.
Comment: TRIM28: PM2:Supporting, BP4, BP7